The following is an entry in ClinVar:

NM_005204.4(MAP3K8):c.951C>T (p.Leu317=)

Gene: MAP3K8 (mitogen-activated protein kinase kinase kinase 8; plus strand). Cytogenetic location: 10p11.23.
Variant type: single nucleotide variant.
Coding change: c.951C>T on transcript NM_005204.4 (MANE Select); coding-DNA position 951, C replaced by T.
Protein change: p.Leu317=; no amino-acid change (leucine 317 retained).
Molecular consequence: synonymous variant.
Genome position (GRCh38, 1-based): chr10:30,458,161, C>T. VCF-style: chr10-30458161-C-T. GRCh37 (hg19) VCF-style: chr10-30747090-C-T.
Other names: c.951C>T, p.Leu317= (NM_001244134.1, NM_001320961.2); c.951C>T (NM_005204.3).
Identifiers: ClinVar variation 3710394 (VCV003710394.3).

ClinVar aggregate classification (germline): Likely benign. Review status: criteria provided, multiple submitters, no conflicts (2 of 4 stars). 2 submissions from 2 submitters: Likely benign (2). Last evaluated 2025-12-31.

Conditions:
MAP3K8-related disorder. Also called: MAP3K8-related condition.

gnomAD v4.1: 57 of 1,594,994 alleles (0.0036%); highest among the groups gnomAD compares: Admixed American, 0.014%; no homozygotes.

Submissions (2):

Labcorp Genetics (formerly Invitae), Labcorp
Classification: Likely benign. Last evaluated: 2025-12-31. Review status: criteria provided, single submitter. Criteria: Invitae Variant Classification Sherloc (09022015). Collection method: clinical testing. Allele origin: germline.

PreventionGenetics, part of Exact Sciences
Classification: Likely benign for MAP3K8-related condition. Last evaluated: 2025-11-10. Review status: criteria provided, single submitter. Criteria: ACMG Guidelines, 2015. Collection method: clinical testing. Allele origin: germline.
Comment: This variant is classified as likely benign based on ACMG/AMP sequence variant interpretation guidelines (Richards et al. 2015 PMID: 25741868, with internal and published modifications).